The following is an entry in ClinVar:

NM_000273.3(GPR143):c.442T>C (p.Ser148Pro)

Gene: GPR143 (G protein-coupled receptor 143; minus strand). Cytogenetic location: Xp22.2.
Variant type: single nucleotide variant.
Coding change: c.442T>C on transcript NM_000273.3 (MANE Select); coding-DNA position 442, T replaced by C.
Protein change: p.Ser148Pro; replaces serine 148 with proline.
Molecular consequence: missense variant.
Genome position (GRCh38, 1-based): chrX:9,759,345, A>G on the plus strand (T>C on the coding strand, the complement: GPR143 is on the minus strand). VCF-style: chrX-9759345-A-G. GRCh37 (hg19) VCF-style: chrX-9727385-A-G.
Other names: short protein forms S148P.
Identifiers: ClinVar variation 2839639 (VCV002839639.3), dbSNP rs2518637069, ClinGen allele CA411998830.

ClinVar aggregate classification (germline): Uncertain significance (1 of 4 stars; one submission).

Allele frequency attached by ClinVar (database versions not stated): gnomAD exomes below 0.00001.
gnomAD v4.1: 2 of 1,180,458 alleles (0.00017%); highest among the groups gnomAD compares: South Asian, 0.0018%; no homozygotes.

Submission:

Labcorp Genetics (formerly Invitae), Labcorp
Classification: Uncertain significance. Last evaluated: 2023-02-21. Review status: criteria provided, single submitter. Criteria: Invitae Variant Classification Sherloc (09022015). Collection method: clinical testing. Allele origin: germline.
Comment: In summary, the available evidence is currently insufficient to determine the role of this variant in disease. Therefore, it has been classified as a Variant of Uncertain Significance. Advanced modeling of protein sequence and biophysical properties (such as structural, functional, and spatial information, amino acid conservation, physicochemical variation, residue mobility, and thermodynamic stability) performed at Invitae indicates that this missense variant is expected to disrupt GPR143 protein function. This variant has not been reported in the literature in individuals affected with GPR143-related conditions. This variant is not present in population databases (gnomAD no frequency). This sequence change replaces serine, which is neutral and polar, with proline, which is neutral and non-polar, at codon 148 of the GPR143 protein (p.Ser148Pro).